The following is an entry in ClinVar:

NM_007194.4(CHEK2):c.1560G>C (p.Lys520Asn)

Gene: CHEK2 (checkpoint kinase 2; minus strand). Cytogenetic location: 22q12.1.
Variant type: single nucleotide variant.
Coding change: c.1560G>C on transcript NM_007194.4 (MANE Select); coding-DNA position 1560, G replaced by C.
Protein change: p.Lys520Asn; replaces lysine 520 with asparagine.
Molecular consequence: missense variant.
Genome position (GRCh38, 1-based): chr22:28,687,969, C>G on the plus strand (G>C on the coding strand, the complement: CHEK2 is on the minus strand). VCF-style: chr22-28687969-C-G. GRCh37 (hg19) VCF-style: chr22-29083957-C-G.
Other names: c.1689G>C, p.Lys563Asn (NM_001005735.3); c.897G>C, p.Lys299Asn (NM_001257387.3); c.1359G>C, p.Lys453Asn (NM_001349956.3); c.1473G>C, p.Lys491Asn (NM_145862.3); short protein forms K563N, K299N, K453N, K491N, K520N.
Identifiers: ClinVar variation 1461612 (VCV001461612.9), dbSNP rs1601698058, ClinGen allele CA411091394.

ClinVar aggregate classification (germline): Uncertain significance (1 of 4 stars; one submission).

Conditions:
Familial cancer of breast. Also called: Hereditary breast cancer; hereditary breast carcinoma; BREAST CANCER, FAMILIAL. Identifiers: Orphanet 227535, MedGen C0346153, MONDO:0016419, OMIM 114480. Disease mechanism: loss of function.

Submission:

Labcorp Genetics (formerly Invitae), Labcorp
Classification: Uncertain significance for Familial cancer of breast. Last evaluated: 2021-05-27. Review status: criteria provided, single submitter. Criteria: Invitae Variant Classification Sherloc (09022015). Collection method: clinical testing. Allele origin: germline.
Comment: In summary, the available evidence is currently insufficient to determine the role of this variant in disease. Therefore, it has been classified as a Variant of Uncertain Significance. Algorithms developed to predict the effect of missense changes on protein structure and function are either unavailable or do not agree on the potential impact of this missense change (SIFT: "Deleterious"; PolyPhen-2: "Probably Damaging"; Align-GVGD: "Class C0"). This variant has not been reported in the literature in individuals with CHEK2-related conditions. This variant is not present in population databases (ExAC no frequency). This sequence change replaces lysine with asparagine at codon 520 of the CHEK2 protein (p.Lys520Asn). The lysine residue is highly conserved and there is a moderate physicochemical difference between lysine and asparagine.